The following is an entry in ClinVar:

NM_001080517.3(SETD5):c.2725-4T>A

Gene: SETD5 (SET domain containing 5; plus strand). Cytogenetic location: 3p25.3.
Variant type: single nucleotide variant.
Coding change: c.2725-4T>A on transcript NM_001080517.3 (MANE Select); 4 bases into the intron before coding-DNA position 2725, T replaced by A.
Molecular consequence: intron variant.
Genome position (GRCh38, 1-based): chr3:9,470,455, T>A. VCF-style: chr3-9470455-T-A. GRCh37 (hg19) VCF-style: chr3-9512139-T-A.
Other names: c.2431-4T>A (NM_001349451.2, NM_001292043.2).
Identifiers: ClinVar variation 384123 (VCV000384123.1), dbSNP rs1057521871, ClinGen allele CA16604647.
Genomic context (GRCh38, chr3:9,470,455, plus strand): 5'-TTCTGCCCTTTGACTTTTTCCTTTCTCCCCTACCCCATGTCTCCGTTGATTTTTATTCTT[T>A]CAGCTTTGTCACCGAAAAGACCTGGATTTGGCAAAAGTAGGATACCTTGACTCCAACACT-3'

ClinVar aggregate classification (germline): Likely benign (1 of 4 stars; one submission).

Allele frequency attached by ClinVar (database versions not stated): gnomAD exomes below 0.00001.
gnomAD v4.1: 1 of 1,605,816 alleles (0.000062%); highest among the groups gnomAD compares: Non-Finnish European, 0.000085%; no homozygotes.

Submission:

GeneDx
Classification: Likely benign. Last evaluated: 2016-03-01. Review status: criteria provided, single submitter. Criteria: GeneDx Variant Classification (06012015). Collection method: clinical testing. Allele origin: germline. Affected: yes.
Comment: This variant is considered likely benign or benign based on one or more of the following criteria: it is a conservative change, it occurs at a poorly conserved position in the protein, it is predicted to be benign by multiple in silico algorithms, and/or has population frequency not consistent with disease.